The following is an entry in ClinVar:

ClinVar aggregate classification (germline): Uncertain significance (1 of 4 stars; one submission).

Conditions:
Catecholaminergic polymorphic ventricular tachycardia 1. Also called: VENTRICULAR TACHYCARDIA, STRESS-INDUCED POLYMORPHIC 1; VENTRICULAR TACHYCARDIA, CATECHOLAMINERGIC POLYMORPHIC, 1, WITH OR WITHOUT ATRIAL DYSFUNCTION AND/OR DILATED CARDIOMYOPATHY; RYR2-Related Catecholaminergic Polymorphic Ventricular Tachycardia. Identifiers: Orphanet 3286, MedGen C1631597, MONDO:0011484, OMIM 604772.

gnomAD v4.1: 4 of 1,613,930 alleles (0.00025%); highest among the groups gnomAD compares: Non-Finnish European, 0.00034%; no homozygotes.

Submission:

Labcorp Genetics (formerly Invitae), Labcorp
Classification: Uncertain significance for Catecholaminergic polymorphic ventricular tachycardia 1. Last evaluated: 2025-04-01. Review status: criteria provided, single submitter. Criteria: Invitae Variant Classification Sherloc (09022015). Collection method: clinical testing. Allele origin: germline.
Comment: This sequence change replaces serine, which is neutral and polar, with glycine, which is neutral and non-polar, at codon 307 of the RYR2 protein (p.Ser307Gly). This variant is not present in population databases (gnomAD no frequency). This variant has not been reported in the literature in individuals affected with RYR2-related conditions. ClinVar contains an entry for this variant (Variation ID: 2795496). Invitae Evidence Modeling of protein sequence and biophysical properties (such as structural, functional, and spatial information, amino acid conservation, physicochemical variation, residue mobility, and thermodynamic stability) indicates that this missense variant is not expected to disrupt RYR2 protein function with a negative predictive value of 95%. In summary, the available evidence is currently insufficient to determine the role of this variant in disease. Therefore, it has been classified as a Variant of Uncertain Significance.

NM_001035.3(RYR2):c.919A>G (p.Ser307Gly)

Gene: RYR2 (ryanodine receptor 2; plus strand). Cytogenetic location: 1q43.
Variant type: single nucleotide variant.
Coding change: c.919A>G on transcript NM_001035.3 (MANE Select); coding-DNA position 919, A replaced by G.
Protein change: p.Ser307Gly; replaces serine 307 with glycine.
Molecular consequence: missense variant.
Genome position (GRCh38, 1-based): chr1:237,423,162, A>G. VCF-style: chr1-237423162-A-G. GRCh37 (hg19) VCF-style: chr1-237586462-A-G.
Other names: short protein forms S307G.
Identifiers: ClinVar variation 2795496 (VCV002795496.3), dbSNP rs1705767586, ClinGen allele CA345385349.
Genomic context (GRCh38, chr1:237,423,162, plus strand): 5'-AGCCACATAAGATGGGGACAGCCATTCCGACTACGCCATGTCACAACAGGAAAATACTTG[A>G]GTCTCATGGAAGACAAAAACCTTCTACTCATGGACAAAGAGAAAGCTGATGTAAAATCAA-3'
Protein context (NP_001026.2, residues 297-317): LRHVTTGKYL[Ser307Gly]LMEDKNLLLM